The following is an entry in ClinVar:

NM_001458.5(FLNC):c.2857A>G (p.Lys953Glu)

Gene: FLNC (filamin C; plus strand). Cytogenetic location: 7q32.1.
Variant type: single nucleotide variant.
Coding change: c.2857A>G on transcript NM_001458.5 (MANE Select); coding-DNA position 2857, A replaced by G.
Protein change: p.Lys953Glu; replaces lysine 953 with glutamic acid.
Molecular consequence: missense variant.
Genome position (GRCh38, 1-based): chr7:128,843,841, A>G. VCF-style: chr7-128843841-A-G. GRCh37 (hg19) VCF-style: chr7-128483895-A-G.
Other names: c.2857A>G, p.Lys953Glu (NM_001127487.2); short protein forms K953E.
Identifiers: ClinVar variation 2945342 (VCV002945342.3), dbSNP rs879045220, ClinGen allele CA369193432.
Genomic context (GRCh38, chr7:128,843,841, plus strand): 5'-CATTGTACCCAACAGGGCAACATGGCAGTGACAGTGACTTATGGCGGGGACCCTGTCCCC[A>G]AGAGCCCCTTTGTGGTGAATGTGGCACCCCCGCTGGACCTCAGCAAAATCAAAGTTCAGG-3'
Protein context (NP_001449.3, residues 943-963): TVTYGGDPVP[Lys953Glu]SPFVVNVAPP

ClinVar aggregate classification (germline): Uncertain significance (1 of 4 stars; one submission).

Conditions:
Myofibrillar myopathy 5. Also called: Filaminopathy (type); FILAMINOPATHY, AUTOSOMAL DOMINANT. Identifiers: Orphanet 171445, MedGen C1836050, MONDO:0012289, OMIM 609524.
Hypertrophic cardiomyopathy 26. Also called: Cardiomyopathy, familial hypertrophic, 26. Identifiers: Orphanet 75249, MedGen C4310749, MONDO:0014883, OMIM 617047.
Distal myopathy with posterior leg and anterior hand involvement. Also called: WILLIAMS DISTAL MYOPATHY. Identifiers: Orphanet 63273, MedGen C3279722, MONDO:0013550, OMIM 614065.

Submission:

Labcorp Genetics (formerly Invitae), Labcorp
Classification: Uncertain significance for Distal myopathy with posterior leg and anterior hand involvement; Myofibrillar myopathy 5; Hypertrophic cardiomyopathy 26. Last evaluated: 2023-12-30. Review status: criteria provided, single submitter. Criteria: Invitae Variant Classification Sherloc (09022015). Collection method: clinical testing. Allele origin: germline.
Comment: This sequence change replaces lysine, which is basic and polar, with glutamic acid, which is acidic and polar, at codon 953 of the FLNC protein (p.Lys953Glu). This variant is not present in population databases (gnomAD no frequency). This variant has not been reported in the literature in individuals affected with FLNC-related conditions. Advanced modeling of protein sequence and biophysical properties (such as structural, functional, and spatial information, amino acid conservation, physicochemical variation, residue mobility, and thermodynamic stability) has been performed at Invitae for this missense variant, however the output from this modeling did not meet the statistical confidence thresholds required to predict the impact of this variant on FLNC protein function. In summary, the available evidence is currently insufficient to determine the role of this variant in disease. Therefore, it has been classified as a Variant of Uncertain Significance.